The following is an entry in ClinVar:

ClinVar aggregate classification (germline): Benign/Likely benign. Review status: criteria provided, multiple submitters, no conflicts (2 of 4 stars). 7 submissions from 5 submitters: Benign (5); Likely benign (1). 1 of the submissions does not count toward it. Last evaluated 2025-07-13.

Conditions:
Pallister-Hall syndrome (PHS). Also called: HYPOTHALAMIC HAMARTOBLASTOMA, HYPOPITUITARISM, IMPERFORATE ANUS, AND POSTAXIAL POLYDACTYLY; GLI3-Related Pallister-Hall Syndrome. Identifiers: Orphanet 672, MedGen C0265220, MONDO:0007804, OMIM 146510.
Greig cephalopolysyndactyly syndrome (GCPS). Also called: POLYSYNDACTYLY WITH PECULIAR SKULL SHAPE; GLI3-Related Greig Cephalopolysyndactyly Syndrome; Greig syndrome. Identifiers: Orphanet 380, MedGen C0265306, MONDO:0008287, OMIM 175700.
Polydactyly. Also called: polydactylism. Identifiers: MedGen C0152427, MONDO:0021003, OMIM 603596, HP:0010442.
GLI3-related disorder. Also called: GLI3-related disorders; GLI3-related condition. Identifiers: MedGen CN239292.

Allele frequency attached by ClinVar (database versions not stated): gnomAD 0.00032 and 0.00042; TOPMed 0.00068; gnomAD exomes 0.00101; ExAC 0.00135; 1000 Genomes Project 30x 0.00203; 1000 Genomes Project 0.00240.
gnomAD v4.1: 467 of 1,581,760 alleles (0.03%); highest among the groups gnomAD compares: East Asian, 0.98%; 4 homozygotes.

Submissions (7):

Labcorp Genetics (formerly Invitae), Labcorp
Classification: Benign for Pallister-Hall syndrome; Greig cephalopolysyndactyly syndrome. Last evaluated: 2025-07-13. Review status: criteria provided, single submitter. Criteria: Invitae Variant Classification Sherloc (09022015). Collection method: clinical testing. Allele origin: germline.

Blueprint Genetics
Classification: Likely benign. Last evaluated: 2024-04-04. Review status: criteria provided, single submitter. Criteria: ACMG Guidelines, 2015. Collection method: clinical testing. Allele origin: germline.

Illumina Laboratory Services, Illumina
Classification: Benign for Greig cephalopolysyndactyly syndrome. Last evaluated: 2018-01-12. Review status: criteria provided, single submitter. Criteria: ICSL Variant Classification Criteria 13 December 2019. Collection method: clinical testing. Allele origin: germline.
Comment: This variant was observed in the ICSL laboratory as part of a predisposition screen in an ostensibly healthy population. It had not been previously curated by ICSL or reported in the Human Gene Mutation Database (HGMD: prior to June 1st, 2018), and was therefore a candidate for classification through an automated scoring system. Utilizing variant allele frequency, disease prevalence and penetrance estimates, and inheritance mode, an automated score was calculated to assess if this variant is too frequent to cause the disease. Based on the score and internal cut-off values, a variant classified as benign is not then subjected to further curation. The score for this variant resulted in a classification of benign for this disease.

Illumina Laboratory Services, Illumina
Classification: Benign for Pallister-Hall syndrome. Last evaluated: 2018-01-12. Review status: criteria provided, single submitter. Criteria: ICSL Variant Classification Criteria 13 December 2019. Collection method: clinical testing. Allele origin: germline.
Comment: the same text as in the submission from Illumina Laboratory Services, Illumina above.

Illumina Laboratory Services, Illumina
Classification: Benign for Polydactyly. Last evaluated: 2018-01-12. Review status: criteria provided, single submitter. Criteria: ICSL Variant Classification Criteria 13 December 2019. Collection method: clinical testing. Allele origin: germline.
Comment: the same text as in the submission from Illumina Laboratory Services, Illumina above.

GeneDx
Classification: Benign. Last evaluated: 2015-08-25. Review status: criteria provided, single submitter. Criteria: GeneDx Variant Classification (06012015). Collection method: clinical testing. Allele origin: germline. Affected: yes.
Comment: This variant is considered likely benign or benign based on one or more of the following criteria: it is a conservative change, it occurs at a poorly conserved position in the protein, it is predicted to be benign by multiple in silico algorithms, and/or has population frequency not consistent with disease.

PreventionGenetics, part of Exact Sciences
Classification: Benign for GLI3-related condition. Last evaluated: 2019-06-03. Review status: no assertion criteria provided. Collection method: clinical testing. Allele origin: germline. Not counted in ClinVar's aggregate classification.
Comment: This variant is classified as benign based on ACMG/AMP sequence variant interpretation guidelines (Richards et al. 2015 PMID: 25741868, with internal and published modifications).

NM_000168.6(GLI3):c.3015C>T (p.Ala1005=)

Gene: GLI3 (GLI family zinc finger 3; minus strand). Cytogenetic location: 7p14.1.
Variant type: single nucleotide variant.
Coding change: c.3015C>T on transcript NM_000168.6 (MANE Select); coding-DNA position 3015, C replaced by T.
Protein change: p.Ala1005=; no amino-acid change (alanine 1005 retained).
Molecular consequence: synonymous variant.
Genome position (GRCh38, 1-based): chr7:41,966,058, G>A on the plus strand (C>T on the coding strand, the complement: GLI3 is on the minus strand). VCF-style: chr7-41966058-G-A. GRCh37 (hg19) VCF-style: chr7-42005656-G-A.
Identifiers: ClinVar variation 360233 (VCV000360233.16), dbSNP rs200965852, ClinGen allele CA4230473.